The following is an entry in ClinVar:

NM_006895.3(HNMT):c.475del (p.His159fs)

Gene: HNMT (histamine N-methyltransferase; plus strand). Cytogenetic location: 2q22.1.
Variant type: Deletion.
Coding change: c.475del on transcript NM_006895.3 (MANE Select); coding-DNA position 475, one base deleted (C; older notation c.475delC).
Protein change: p.His159fs; shifts the reading frame from histidine 159.
Molecular consequence: frameshift variant.
Genome position (GRCh38, 1-based): chr2:138,005,177, C deleted; the last of 2 consecutive C bases (chr2:138,005,176-138,005,177); deleting either gives the same sequence. VCF-style (leftmost placement, unchanged base first): chr2-138005175-TC-T. GRCh37 (hg19) VCF-style: chr2-138762745-TC-T.
Other names: c.475delC (NM_006895.3); short protein forms H159fs.
Identifiers: ClinVar variation 445774 (VCV000445774.5), dbSNP rs765863580, ClinGen allele CA1891789.

ClinVar aggregate classification (germline): Conflicting classifications of pathogenicity. Review status: criteria provided, conflicting classifications (1 of 4 stars). 3 submissions from 3 submitters: Likely pathogenic (2); Uncertain significance (1). Last evaluated 2023-11-15.

Conditions:
Inherited susceptibility to asthma. Also called: Asthma, susceptibility to; ASTHMA, BRONCHIAL; ASTHMA-RELATED TRAITS, SUSCEPTIBILITY TO. Identifiers: MedGen C1869116, MONDO:0010940, OMIM 600807.
Intellectual developmental disorder, autosomal recessive 51. Also called: Intellectual disability, autosomal recessive 51. Identifiers: Orphanet 88616, MedGen C4225220, MONDO:0014759, OMIM 616739.

Submissions (3):

Women's Health and Genetics/Laboratory Corporation of America, LabCorp
Classification: Uncertain significance. Last evaluated: 2023-11-15. Review status: criteria provided, single submitter. Criteria: LabCorp Variant Classification Summary - May 2015. Collection method: clinical testing. Allele origin: germline.
Comment: Variant summary: HNMT c.475delC (p.His159IlefsX4) results in a premature termination codon, predicted to cause a truncation of the encoded protein or absence of the protein due to nonsense mediated decay, however current evidence is not sufficient to establish loss-of-function variants in HNMT as causative of disease. The variant allele was found at a frequency of 6e-05 in 250516 control chromosomes (i.e., 15 heterozygotes; gnomAD v2 Exomes dataset). The available data on variant occurrences in the general population are insufficient to allow any conclusion about variant significance. To our knowledge, no occurrence of c.475delC in individuals affected with HNMT-Related Disorders and no experimental evidence demonstrating its impact on protein function have been reported. Two submitters have reported clinical-significance assessments for this variant to ClinVar after 2014, and both submitters classified the variant as likely pathogenic. Based on the evidence outlined above, the variant was classified as uncertain significance.

New York Genome Center
Classification: Likely pathogenic for Intellectual developmental disorder, autosomal recessive 51; Inherited susceptibility to asthma. Last evaluated: 2022-06-10. Review status: criteria provided, single submitter. Criteria: NYGC Assertion Criteria 2020. Collection method: clinical testing. Allele origin: inherited. Observed: 1 compound heterozygote.
Comment: The c.475del variant in HNMT has not previously been reported in the literature but it has been deposited in ClinVar [ClinVar ID: 445774] as Likely pathogenic. The c.475del variant is observed in 21 alleles (~0.00004% minor allele frequency with 0 homozygotes) in population databases (gnomAD v2.1.1 and v3.1.2, TOPMedFreeze 8. All of Us), suggesting it is not a common benign variant in the populations represented in those databases. The c.475del variant in HNMT is located in exon 5 of this 6-exon gene, and is predicted to incorporate a premature termination codon (p.(His159IlefsTer4), which might result in either loss-of-function via nonsense mediated decay or loss of the last 129 amino acids (>10% of the protein). Based on available evidence this inherited c.475del p.(His159IlefsTer4) variant identified in HNMT is classified as Likely Pathogenic.

Center for Pediatric Genomic Medicine, Children's Mercy Hospital and Clinics
Classification: Likely pathogenic. Last evaluated: 2017-04-17. Review status: criteria provided, single submitter. Criteria: ACMG Guidelines, 2015. Collection method: clinical testing. Allele origin: germline.